The following is an entry in ClinVar:

NM_000163.5(GHR):c.3G>A (p.Met1Ile)

Gene: GHR (growth hormone receptor; plus strand). Cytogenetic location: 5p12.
Variant type: single nucleotide variant.
Coding change: c.3G>A on transcript NM_000163.5 (MANE Select); coding-DNA position 3, G replaced by A.
Protein change: p.Met1Ile; changes the start codon (methionine 1).
Molecular consequence: missense variant, initiator codon variant.
Genome position (GRCh38, 1-based): chr5:42,565,877, G>A. VCF-style: chr5-42565877-G-A. GRCh37 (hg19) VCF-style: chr5-42565979-G-A.
Other names: c.24G>A, p.Met8Ile (NM_001242399.2); c.3G>A, p.Met1Ile (NM_001242400.2, NM_001242401.4, NM_001242402.2 and 6 more transcripts); short protein forms M1I, M8I.
Identifiers: ClinVar variation 4805496 (VCV004805496.1).

ClinVar aggregate classification (germline): Pathogenic (1 of 4 stars; one submission).

Submission:

Labcorp Genetics (formerly Invitae), Labcorp
Classification: Pathogenic. Last evaluated: 2026-01-25. Review status: criteria provided, single submitter. Criteria: Invitae Variant Classification Sherloc (09022015). Collection method: clinical testing. Allele origin: germline.
Comment: This sequence change affects the initiator codon of the GHR mRNA. This change may impact translation initiation or efficiency. The next in-frame methionine is located at codon 188. This variant is not present in population databases (gnomAD no frequency). Disruption of the initiator codon has been observed in individuals with autosomal recessive Lardon syndrome (PMID: 12199334, 29025428, 31429861). It has also been observed to segregate with disease in related individuals. This variant disrupts a region of the GHR protein in which other variant(s) (p.Glu62Lys) have been observed in individuals with GHR-related conditions (PMID: 7565946). This suggests that this is a clinically significant region of the protein, and that variants that disrupt it are likely to be disease-causing. For these reasons, this variant has been classified as Pathogenic.

Literature cited by the submitters: PubMed 12199334; PubMed 29025428; PubMed 31429861; PubMed 7565946.